The following is an entry in ClinVar:

ClinVar aggregate classification (germline): Uncertain significance (1 of 4 stars; one submission).

Conditions:
Landau-Kleffner syndrome (FESD). Also called: EPILEPSY, FOCAL, WITH SPEECH DISORDER AND WITH OR WITHOUT MENTAL RETARDATION; APHASIA, ACQUIRED, WITH EPILEPSY. Identifiers: Orphanet 1945, Orphanet 725, Orphanet 98818, MedGen C0282512, MONDO:0009509, OMIM 245570.

Submission:

Labcorp Genetics (formerly Invitae), Labcorp
Classification: Uncertain significance for Landau-Kleffner syndrome. Last evaluated: 2025-04-14. Review status: criteria provided, single submitter. Criteria: Invitae Variant Classification Sherloc (09022015). Collection method: clinical testing. Allele origin: germline.
Comment: This sequence change replaces phenylalanine, which is neutral and non-polar, with isoleucine, which is neutral and non-polar, at codon 885 of the GRIN2A protein (p.Phe885Ile). This variant is not present in population databases (gnomAD no frequency). This variant has not been reported in the literature in individuals affected with GRIN2A-related conditions. Invitae Evidence Modeling of protein sequence and biophysical properties (such as structural, functional, and spatial information, amino acid conservation, physicochemical variation, residue mobility, and thermodynamic stability) indicates that this missense variant is not expected to disrupt GRIN2A protein function with a negative predictive value of 95%. In summary, the available evidence is currently insufficient to determine the role of this variant in disease. Therefore, it has been classified as a Variant of Uncertain Significance.

NM_001134407.3(GRIN2A):c.2653T>A (p.Phe885Ile)

Gene: GRIN2A (glutamate ionotropic receptor NMDA type subunit 2A; minus strand). Cytogenetic location: 16p13.2.
Variant type: single nucleotide variant.
Coding change: c.2653T>A on transcript NM_001134407.3 (MANE Select); coding-DNA position 2653, T replaced by A.
Protein change: p.Phe885Ile; replaces phenylalanine 885 with isoleucine.
Molecular consequence: missense variant.
Genome position (GRCh38, 1-based): chr16:9,764,891, A>T on the plus strand (T>A on the coding strand, the complement: GRIN2A is on the minus strand). VCF-style: chr16-9764891-A-T. GRCh37 (hg19) VCF-style: chr16-9858748-A-T.
Other names: c.2653T>A, p.Phe885Ile (NM_000833.5, NM_001134408.2); short protein forms F885I.
Identifiers: ClinVar variation 4805732 (VCV004805732.1).
Genomic context (GRCh38, chr16:9,764,891, plus strand): 5'-AAATGTTTTTGGCTGACCGGAGGAGTTTTAACATGTTGCTCTGGGATCCCGTCAGATTGA[A>T]GTCTGGAGACTTCTTCTTTTCTTCAATGTGCACTCCATGAATGCAGCTGTAGATGCCCTG-3'
Protein context (NP_001127879.1, residues 875-895): HIEEKKKSPD[Phe885Ile]NLTGSQSNML